The following is an entry in ClinVar:

NM_013296.5(GPSM2):c.826A>C (p.Lys276Gln)

Gene: GPSM2 (G protein signaling modulator 2; plus strand). Cytogenetic location: 1p13.3.
Variant type: single nucleotide variant.
Coding change: c.826A>C on transcript NM_013296.5 (MANE Select); coding-DNA position 826, A replaced by C.
Protein change: p.Lys276Gln; replaces lysine 276 with glutamine.
Molecular consequence: missense variant.
Genome position (GRCh38, 1-based): chr1:108,901,818, A>C. VCF-style: chr1-108901818-A-C. GRCh37 (hg19) VCF-style: chr1-109444440-A-C.
Other names: c.826A>C, p.Lys276Gln (NM_001321038.2, NM_001321039.3); short protein forms K276Q.
Identifiers: ClinVar variation 2742220 (VCV002742220.3), dbSNP rs2524922137, ClinGen allele CA341463096.

ClinVar aggregate classification (germline): Uncertain significance (1 of 4 stars; one submission).

Submission:

Labcorp Genetics (formerly Invitae), Labcorp
Classification: Uncertain significance. Last evaluated: 2024-09-06. Review status: criteria provided, single submitter. Criteria: Invitae Variant Classification Sherloc (09022015). Collection method: clinical testing. Allele origin: germline.
Comment: This sequence change replaces lysine, which is basic and polar, with glutamine, which is neutral and polar, at codon 276 of the GPSM2 protein (p.Lys276Gln). This variant is not present in population databases (gnomAD no frequency). This variant has not been reported in the literature in individuals affected with GPSM2-related conditions. Invitae Evidence Modeling of protein sequence and biophysical properties (such as structural, functional, and spatial information, amino acid conservation, physicochemical variation, residue mobility, and thermodynamic stability) indicates that this missense variant is not expected to disrupt GPSM2 protein function with a negative predictive value of 80%. In summary, the available evidence is currently insufficient to determine the role of this variant in disease. Therefore, it has been classified as a Variant of Uncertain Significance.